The following is an entry in ClinVar:

NM_002439.5(MSH3):c.580G>A (p.Asp194Asn)

Gene: MSH3 (mutS homolog 3; plus strand). Cytogenetic location: 5q14.1.
Variant type: single nucleotide variant.
Coding change: c.580G>A on transcript NM_002439.5 (MANE Select); coding-DNA position 580, G replaced by A.
Protein change: p.Asp194Asn; replaces aspartic acid 194 with asparagine.
Molecular consequence: missense variant.
Genome position (GRCh38, 1-based): chr5:80,670,097, G>A. VCF-style: chr5-80670097-G-A. GRCh37 (hg19) VCF-style: chr5-79965916-G-A.
Other names: short protein forms D194N.
Identifiers: ClinVar variation 1435113 (VCV001435113.6), dbSNP rs2112812094, ClinGen allele CA360265850.

ClinVar aggregate classification (germline): Uncertain significance (1 of 4 stars; one submission).

Submission:

Labcorp Genetics (formerly Invitae), Labcorp
Classification: Uncertain significance. Last evaluated: 2021-08-26. Review status: criteria provided, single submitter. Criteria: Invitae Variant Classification Sherloc (09022015). Collection method: clinical testing. Allele origin: germline.
Comment: Algorithms developed to predict the effect of sequence changes on RNA splicing suggest that this variant may disrupt the consensus splice site. In summary, the available evidence is currently insufficient to determine the role of this variant in disease. Therefore, it has been classified as a Variant of Uncertain Significance. Algorithms developed to predict the effect of missense changes on protein structure and function output the following: SIFT: "Deleterious"; PolyPhen-2: "Benign"; Align-GVGD: "Class C0". The asparagine amino acid residue is found in multiple mammalian species, which suggests that this missense change does not adversely affect protein function. This variant has not been reported in the literature in individuals affected with MSH3-related conditions. This variant is not present in population databases (ExAC no frequency). This sequence change replaces aspartic acid with asparagine at codon 194 of the MSH3 protein (p.Asp194Asn). The aspartic acid residue is moderately conserved and there is a small physicochemical difference between aspartic acid and asparagine.